The following is an entry in ClinVar:

ClinVar aggregate classification (germline): Uncertain significance. Review status: criteria provided, multiple submitters, no conflicts (2 of 4 stars). 4 submissions from 4 submitters: Uncertain significance (4). Last evaluated 2024-10-16.

Conditions:
Neuronal ceroid lipofuscinosis 3 (CLN3). Identifiers: Orphanet 228346, MedGen C0751383, MONDO:0008767, OMIM 204200.
Neuronal ceroid lipofuscinosis. Also called: Neuronal Ceroid Lipofuscinoses. Identifiers: Orphanet 216, Orphanet 79263, MedGen C0027877, MONDO:0016295. Disease mechanism: loss of function.

Allele frequency attached by ClinVar (database versions not stated): gnomAD 0.00002; gnomAD exomes 0.00002 and 0.00003; TOPMed 0.00003; ExAC 0.00005.

Submissions (4):

Blueprint Genetics
Classification: Uncertain significance. Last evaluated: 2024-10-16. Review status: criteria provided, single submitter. Criteria: ACMG Guidelines, 2015. Collection method: clinical testing. Allele origin: germline.

Labcorp Genetics (formerly Invitae), Labcorp
Classification: Uncertain significance for Neuronal ceroid lipofuscinosis. Last evaluated: 2022-08-21. Review status: criteria provided, single submitter. Criteria: Invitae Variant Classification Sherloc (09022015). Collection method: clinical testing. Allele origin: germline.
Comment: This sequence change replaces arginine, which is basic and polar, with tryptophan, which is neutral and slightly polar, at codon 250 of the CLN3 protein (p.Arg250Trp). This variant is present in population databases (rs764881080, gnomAD 0.006%). This variant has not been reported in the literature in individuals affected with CLN3-related conditions. ClinVar contains an entry for this variant (Variation ID: 527729). Algorithms developed to predict the effect of missense changes on protein structure and function are either unavailable or do not agree on the potential impact of this missense change (SIFT: "Tolerated"; PolyPhen-2: "Probably Damaging"; Align-GVGD: "Class C0"). In summary, the available evidence is currently insufficient to determine the role of this variant in disease. Therefore, it has been classified as a Variant of Uncertain Significance.

Genome-Nilou Lab
Classification: Uncertain significance for Neuronal ceroid lipofuscinosis 3. Last evaluated: 2021-09-05. Review status: criteria provided, single submitter. Criteria: ACMG Guidelines, 2015. Collection method: clinical testing. Allele origin: germline. Affected: no.

Illumina Laboratory Services, Illumina
Classification: Uncertain significance for Neuronal ceroid lipofuscinosis 3. Last evaluated: 2017-04-28. Review status: criteria provided, single submitter. Criteria: ICSL Variant Classification Criteria 13 December 2019. Collection method: clinical testing. Allele origin: germline.

NM_001042432.2(CLN3):c.748C>T (p.Arg250Trp)

Gene: CLN3 (CLN3 lysosomal/endosomal transmembrane protein, battenin; minus strand). Cytogenetic location: 16p12.1.
Variant type: single nucleotide variant.
Coding change: c.748C>T on transcript NM_001042432.2 (MANE Select); coding-DNA position 748, C replaced by T.
Protein change: p.Arg250Trp; replaces arginine 250 with tryptophan.
Molecular consequence: missense variant.
Genome position (GRCh38, 1-based): chr16:28,484,048, G>A on the plus strand (C>T on the coding strand, the complement: CLN3 is on the minus strand). VCF-style: chr16-28484048-G-A. GRCh37 (hg19) VCF-style: chr16-28495369-G-A.
Other names: c.748C>T, p.Arg250Trp (NM_000086.2); c.676C>T, p.Arg226Trp (NM_001286104.2); c.448C>T, p.Arg150Trp (NM_001286105.2); c.514C>T, p.Arg172Trp (NM_001286109.2); c.586C>T, p.Arg196Trp (NM_001286110.2); short protein forms R250W, R172W, R150W, R226W, R196W.
Identifiers: ClinVar variation 527729 (VCV000527729.12), dbSNP rs764881080, ClinGen allele CA7980837.